The following is an entry in ClinVar:

NM_014284.3(NCDN):c.175-4A>G

Gene: NCDN (neurochondrin; plus strand). Cytogenetic location: 1p34.3.
Variant type: single nucleotide variant.
Coding change: c.175-4A>G on transcript NM_014284.3 (MANE Select); 4 bases into the intron before coding-DNA position 175, A replaced by G.
Molecular consequence: intron variant.
Genome position (GRCh38, 1-based): chr1:35,560,322, A>G. VCF-style: chr1-35560322-A-G. GRCh37 (hg19) VCF-style: chr1-36025923-A-G.
Other names: c.175-4A>G (NM_001014839.2, NM_001014839.1); c.124-4A>G (NM_001014841.2).
Identifiers: ClinVar variation 1701099 (VCV001701099.31), dbSNP rs185802063, ClinGen allele CA760068.

ClinVar aggregate classification (germline): Likely benign. Review status: criteria provided, single submitter (1 of 4 stars). 2 submissions from 2 submitters: Likely benign (1). 1 of the submissions does not count toward it. Last evaluated 2022-09-01.

Conditions:
NCDN-related disorder. Also called: NCDN-related condition.

Allele frequency attached by ClinVar (database versions not stated): ESP Exome Variant Server 0.00023; 1000 Genomes Project 30x 0.00031; gnomAD exomes 0.00032 and 0.00044; TOPMed 0.00032; ExAC 0.00034; gnomAD 0.00038; 1000 Genomes Project 0.00040.
gnomAD v4.1: 695 of 1,612,376 alleles (0.043%); highest among the groups gnomAD compares: Non-Finnish European, 0.055%; 1 homozygote.

Submissions (2):

CeGaT Center for Human Genetics Tuebingen
Classification: Likely benign. Last evaluated: 2022-09-01. Review status: criteria provided, single submitter. Criteria: CeGaT Center For Human Genetics Tuebingen Variant Classification Criteria Version 2. Collection method: clinical testing. Allele origin: germline. Affected: yes. Observed: 2 variant alleles.
Comment: NCDN: BP4

PreventionGenetics, part of Exact Sciences
Classification: Likely benign for NCDN-related condition. Last evaluated: 2024-05-28. Review status: no assertion criteria provided. Collection method: clinical testing. Allele origin: germline. Not counted in ClinVar's aggregate classification.
Comment: This variant is classified as likely benign based on ACMG/AMP sequence variant interpretation guidelines (Richards et al. 2015 PMID: 25741868, with internal and published modifications).